The following is an entry in ClinVar:

NM_001608.4(ACADL):c.621G>T (p.Gly207=)

Gene: ACADL (acyl-CoA dehydrogenase long chain; minus strand). Cytogenetic location: 2q34.
Variant type: single nucleotide variant.
Coding change: c.621G>T on transcript NM_001608.4 (MANE Select); coding-DNA position 621, G replaced by T.
Protein change: p.Gly207=; no amino-acid change (glycine 207 retained).
Molecular consequence: synonymous variant.
Genome position (GRCh38, 1-based): chr2:210,205,779, C>A on the plus strand (G>T on the coding strand, the complement: ACADL is on the minus strand). VCF-style: chr2-210205779-C-A. GRCh37 (hg19) VCF-style: chr2-211070503-C-A.
Identifiers: ClinVar variation 3042365 (VCV003042365.3), dbSNP rs150844488, ClinGen allele CA2084957.

ClinVar aggregate classification (germline): Likely benign. Review status: criteria provided, single submitter (1 of 4 stars). 2 submissions from 2 submitters: Likely benign (1). 1 of the submissions does not count toward it. Last evaluated 2024-10-18.

Conditions:
ACADL-related disorder. Also called: ACADL-related condition.

Allele frequency attached by ClinVar (database versions not stated): gnomAD 0.00035 and 0.00080; TOPMed 0.00047 and 0.00051; ESP Exome Variant Server 0.00062; gnomAD exomes 0.00108 and 0.00139; 1000 Genomes Project 30x 0.00125; 1000 Genomes Project 0.00140; ExAC 0.00141.
gnomAD v4.1: 1,692 of 1,613,958 alleles (0.1%); highest among the groups gnomAD compares: South Asian, 0.68%; 10 homozygotes.

Submissions (2):

Blueprint Genetics
Classification: Likely benign. Last evaluated: 2024-10-18. Review status: criteria provided, single submitter. Criteria: ACMG Guidelines, 2015. Collection method: clinical testing. Allele origin: germline.

PreventionGenetics, part of Exact Sciences
Classification: Benign for ACADL-related condition. Last evaluated: 2020-06-29. Review status: no assertion criteria provided. Collection method: clinical testing. Allele origin: germline. Not counted in ClinVar's aggregate classification.
Comment: This variant is classified as benign based on ACMG/AMP sequence variant interpretation guidelines (Richards et al. 2015 PMID: 25741868, with internal and published modifications).